The following is an entry in ClinVar:

ClinVar aggregate classification (germline): Conflicting classifications of pathogenicity. Review status: criteria provided, conflicting classifications (1 of 4 stars). 5 submissions from 5 submitters: Pathogenic (1); Uncertain significance (1); Likely benign (3). Last evaluated 2026-01-26.

Conditions:
F8-related disorder. Also called: F8-related condition.
Hereditary factor VIII deficiency disease (HEMA). Also called: Hemophilia A; Factor 8 deficiency, congenital; HEMOPHILIA, CLASSIC; AUTOSOMAL HEMOPHILIA A; Hemophilia A, congenital; HEM A. Identifiers: Orphanet 98878, MedGen C0019069, MONDO:0010602, OMIM 306700.
Thrombophilia, X-linked, due to factor 8 defect. Also called: Thrombophilia 13, X-linked, due to factor VIII defect; THROMBOPHILIA, X-LINKED, DUE TO FACTOR VIII DEFECT. Identifiers: MedGen C5676879, MONDO:0859082, OMIM 301071.

Allele frequency attached by ClinVar (database versions not stated): gnomAD exomes 0.00009 and 0.00016; ExAC 0.00011; TOPMed 0.00014; gnomAD 0.00016 and 0.00017.
gnomAD v4.1: 124 of 1,199,373 alleles (0.01%); highest among the groups gnomAD compares: Admixed American, 0.029%; no homozygotes.

Submissions (5):

Women's Health and Genetics/Laboratory Corporation of America, LabCorp
Classification: Likely benign. Last evaluated: 2026-01-26. Review status: criteria provided, single submitter. Criteria: LabCorp Variant Classification Summary - May 2015. Collection method: clinical testing. Allele origin: germline.
Comment: Variant summary: F8 c.2887G>A (p.Asp963Asn) results in a conservative amino acid change in the encoded protein sequence. Algorithms developed to predict the effect of missense changes on protein structure and function are either unavailable or do not agree on the potential impact of this missense change. The variant allele was found at a frequency of 0.0001 in 1199373 control chromosomes in the gnomAD database, predominantly at a frequency of 0.0016 within the ASJ subpopulation, including 43 hemizygotes. This frequency is not significantly higher than estimated for disease-causing variants in F8, allowing no conclusion about variant significance. c.2887G>A has been observed in individual(s) affected with clinical features of Factor VIII Deficiency (Hemophilia A) without strong evidence for causality (example, Niceta_2010, Jourdy_2016, Roualdes_2016). These report(s) do not provide unequivocal conclusions about association of the variant with Factor VIII Deficiency (Hemophilia A). Co-occurrences with other pathogenic variant(s) have been reported (F8, large rearrangment, del exons 1-22 [presumed common inversion] likely trans with p.Val682Leu), providing supporting evidence for a benign role. At least one publication reports experimental evidence evaluating an impact on protein function. These results showed no damaging effect of this variant (Jourdy_2016). The following publications have been ascertained in the context of this evaluation (PMID: 20108391, 39632590, 37647632, 26915717, 25708597, 20108401). ClinVar contains an entry for this variant (Variation ID: 913256). Based on the evidence outlined above, the variant was classified as likely benign.

PreventionGenetics, part of Exact Sciences
Classification: Likely benign for F8-related condition. Last evaluated: 2025-01-17. Review status: criteria provided, single submitter. Criteria: ACMG Guidelines, 2015. Collection method: clinical testing. Allele origin: germline.
Comment: This variant is classified as likely benign based on ACMG/AMP sequence variant interpretation guidelines (Richards et al. 2015 PMID: 25741868, with internal and published modifications).

ARUP Laboratories, Molecular Genetics and Genomics, ARUP Laboratories
Classification: Likely benign. Last evaluated: 2023-01-17. Review status: criteria provided, single submitter. Criteria: ARUP Molecular Germline Variant Investigation Process 2024. Collection method: clinical testing. Allele origin: germline.

Mendelics
Classification: Pathogenic for Thrombophilia, X-linked, due to factor 8 defect. Last evaluated: 2022-05-04. Review status: criteria provided, single submitter. Criteria: Mendelics Assertion Criteria 2019. Collection method: clinical testing. Allele origin: germline.

Illumina Laboratory Services, Illumina
Classification: Uncertain significance for Hereditary factor VIII deficiency disease. Last evaluated: 2017-04-27. Review status: criteria provided, single submitter. Criteria: ICSL Variant Classification Criteria 13 December 2019. Collection method: clinical testing. Allele origin: germline.
Comment: This variant was observed as part of a predisposition screen in an ostensibly healthy population. A literature search was performed for the gene, cDNA change, and amino acid change (where applicable). Publications were found based on this search. However, the evidence from the literature, in combination with allele frequency data from public databases where available, was not sufficient to rule this variant in or out of causing disease. Therefore, this variant is classified as a variant of unknown significance.

Literature cited by the submitters: PubMed 37647632 (cited by Women's Health and Genetics/Laboratory Corporation of America, LabCorp); PubMed 39632590 (cited by Women's Health and Genetics/Laboratory Corporation of America, LabCorp); PubMed 20108401 (cited by Women's Health and Genetics/Laboratory Corporation of America, LabCorp); PubMed 26915717 (cited by Women's Health and Genetics/Laboratory Corporation of America, LabCorp); PubMed 20108391 (cited by Women's Health and Genetics/Laboratory Corporation of America, LabCorp); PubMed 25708597 (cited by Women's Health and Genetics/Laboratory Corporation of America, LabCorp and Illumina Laboratory Services, Illumina).

NM_000132.4(F8):c.2887G>A (p.Asp963Asn)

Gene: F8 (coagulation factor VIII; minus strand). Cytogenetic location: Xq28.
Variant type: single nucleotide variant.
Coding change: c.2887G>A on transcript NM_000132.4 (MANE Select); coding-DNA position 2887, G replaced by A.
Protein change: p.Asp963Asn; replaces aspartic acid 963 with asparagine.
Molecular consequence: missense variant.
Genome position (GRCh38, 1-based): chrX:154,930,903, C>T on the plus strand (G>A on the coding strand, the complement: F8 is on the minus strand). VCF-style: chrX-154930903-C-T. GRCh37 (hg19) VCF-style: chrX-154159178-C-T.
Other names: short protein forms D963N.
Identifiers: ClinVar variation 913256 (VCV000913256.8), dbSNP rs199660138, ClinGen allele CA10568273.